The following is an entry in ClinVar:

ClinVar aggregate classification (germline): Pathogenic. Review status: criteria provided, multiple submitters, no conflicts (2 of 4 stars). 3 submissions from 3 submitters: Pathogenic (3). Last evaluated 2023-12-12.

Conditions:
Familial adenomatous polyposis 4 (FAP4). Also called: MSH3-related attenuated familial adenomatous polyposis. Identifiers: Orphanet 480536, MedGen C4310719, MONDO:0044300, OMIM 617100.
Hereditary cancer-predisposing syndrome. Also called: Tumor predisposition; Hereditary neoplastic syndrome; Neoplastic Syndromes, Hereditary; Hereditary Cancer Syndrome. Identifiers: Orphanet 140162, MedGen C0027672, MeSH D009386, MONDO:0015356.

Submissions (3):

Ambry Genetics
Classification: Pathogenic for Hereditary cancer-predisposing syndrome. Last evaluated: 2023-12-12. Review status: criteria provided, single submitter. Criteria: Ambry Variant Classification Scheme 2023. Collection method: clinical testing. Allele origin: germline.
Comment: The c.2575delA pathogenic mutation, located in coding exon 19 of the MSH3 gene, results from a deletion of one nucleotide at nucleotide position 2575, causing a translational frameshift with a predicted alternate stop codon (p.I859*). This variant is considered to be rare based on population cohorts in the Genome Aggregation Database (gnomAD). This alteration is expected to result in loss of function by premature protein truncation or nonsense-mediated mRNA decay. As such, this alteration is interpreted as a disease-causing mutation.

Labcorp Genetics (formerly Invitae), Labcorp
Classification: Pathogenic. Last evaluated: 2023-11-15. Review status: criteria provided, single submitter. Criteria: Invitae Variant Classification Sherloc (09022015). Collection method: clinical testing. Allele origin: germline.
Comment: This sequence change creates a premature translational stop signal (p.Ile859*) in the MSH3 gene. It is expected to result in an absent or disrupted protein product. Loss-of-function variants in MSH3 are known to be pathogenic (PMID: 27476653, 37402566). This variant is not present in population databases (gnomAD no frequency). This variant has not been reported in the literature in individuals affected with MSH3-related conditions. For these reasons, this variant has been classified as Pathogenic.

Myriad Genetics, Inc.
Classification: Pathogenic for Familial adenomatous polyposis 4. Last evaluated: 2023-08-31. Review status: criteria provided, single submitter. Criteria: Myriad Autosomal Dominant, Autosomal Recessive and X-Linked Classification Criteria (2023). Collection method: clinical testing. Allele origin: unknown.
Comment: This variant is considered pathogenic. This variant creates a termination codon and is predicted to result in premature protein truncation.

Literature cited by the submitters: PubMed 27476653 (cited by Labcorp Genetics (formerly Invitae), Labcorp); PubMed 37402566 (cited by Labcorp Genetics (formerly Invitae), Labcorp).

NM_002439.5(MSH3):c.2575del (p.Val858_Ile859insTer)

Gene: MSH3 (mutS homolog 3; plus strand). Cytogenetic location: 5q14.1.
Variant type: Deletion.
Coding change: c.2575del on transcript NM_002439.5 (MANE Select); coding-DNA position 2575, one base deleted (A; older notation c.2575delA).
Protein change: p.Val858_Ile859insTer.
Molecular consequence: nonsense.
Genome position (GRCh38, 1-based): chr5:80,792,764, A deleted; the last of 2 consecutive A bases (chr5:80,792,763-80,792,764); deleting either gives the same sequence. VCF-style (leftmost placement, unchanged base first): chr5-80792762-TA-T. GRCh37 (hg19) VCF-style: chr5-80088581-TA-T.
Other names: c.2575delA (NM_002439.3).
Identifiers: ClinVar variation 2673524 (VCV002673524.5), dbSNP rs2546786756, ClinGen allele CA2695198683.